The following is an entry in ClinVar:

ClinVar aggregate classification (germline): Likely benign (1 of 4 stars; one submission).

Conditions:
MIP-related disorder. Also called: MIP-related condition.

Submission:

PreventionGenetics, part of Exact Sciences
Classification: Likely benign for MIP-related condition. Last evaluated: 2026-06-26. Review status: criteria provided, single submitter. Criteria: ACMG Guidelines, 2015. Collection method: clinical testing. Allele origin: germline.
Comment: This variant is classified as likely benign based on ACMG/AMP sequence variant interpretation guidelines (Richards et al. 2015 PMID: 25741868, with internal and published modifications).

NM_012064.4(MIP):c.-3G>A

Gene: MIP (major intrinsic protein of lens fiber; minus strand). Cytogenetic location: 12q13.3.
Variant type: single nucleotide variant.
Coding change: c.-3G>A on transcript NM_012064.4 (MANE Select); 3 bases upstream of the start codon, G replaced by A.
Molecular consequence: 5 prime UTR variant.
Genome position (GRCh38, 1-based): chr12:56,454,616, C>T on the plus strand (G>A on the coding strand, the complement: MIP is on the minus strand). VCF-style: chr12-56454616-C-T. GRCh37 (hg19) VCF-style: chr12-56848400-C-T.
Identifiers: ClinVar variation 4990301 (VCV004990301.1).
Genomic context (GRCh38, chr12:56,454,616, plus strand): 5'-TGGCAAAGAACTCAGCGAATATGGCCCTCCAAAAGGAGGCTGATCGCAGTTCCCACATGG[C>T]AGGGGGGATGGTCACAGTGCCTGGGTCCCTGCTACCCCCATGGCCTTGTCTGGGTGGACA-3'